The following is an entry in ClinVar:

NM_001039141.3(TRIOBP):c.6362C>T (p.Ser2121Leu)

Gene: TRIOBP (TRIO and F-actin binding protein; plus strand). Cytogenetic location: 22q13.1.
Variant type: single nucleotide variant.
Coding change: c.6362C>T on transcript NM_001039141.3 (MANE Select); coding-DNA position 6362, C replaced by T.
Protein change: p.Ser2121Leu; replaces serine 2121 with leucine.
Molecular consequence: missense variant.
Genome position (GRCh38, 1-based): chr22:37,765,707, C>T. VCF-style: chr22-37765707-C-T. GRCh37 (hg19) VCF-style: chr22-38161714-C-T.
Other names: c.1223C>T, p.Ser408Leu (NM_007032.5); short protein forms S2121L, S408L.
Identifiers: ClinVar variation 165609 (VCV000165609.49), dbSNP rs201724032, ClinGen allele CA178357.

ClinVar aggregate classification (germline): Conflicting classifications of pathogenicity. Review status: criteria provided, conflicting classifications (1 of 4 stars). 7 submissions from 7 submitters: Uncertain significance (1); Benign (1); Likely benign (4). 1 of the submissions does not count toward it. Last evaluated 2026-07-01.

Conditions:
TRIOBP-related disorder. Also called: TRIOBP-related condition.
Autosomal recessive nonsyndromic hearing loss 28. Identifiers: Orphanet 90636, MedGen C1853276, MONDO:0012355, OMIM 609823.

Allele frequency attached by ClinVar (database versions not stated): ESP Exome Variant Server 0.00031; gnomAD 0.00036 and 0.00054; 1000 Genomes Project 30x 0.00047; TOPMed 0.00058; 1000 Genomes Project 0.00060; gnomAD exomes 0.00124; ExAC 0.00291.
gnomAD v4.1: 1,139 of 1,555,128 alleles (0.073%); highest among the groups gnomAD compares: South Asian, 0.61%; 8 homozygotes.

Submissions (7):

CeGaT Center for Human Genetics Tuebingen
Classification: Likely benign. Last evaluated: 2026-07-01. Review status: criteria provided, single submitter. Criteria: CeGaT Center For Human Genetics Tuebingen Variant Classification Criteria Version 2. Collection method: clinical testing. Allele origin: germline. Affected: yes. Observed: 5 variant alleles.
Comment: TRIOBP: BS2

Labcorp Genetics (formerly Invitae), Labcorp
Classification: Likely benign. Last evaluated: 2026-01-30. Review status: criteria provided, single submitter. Criteria: Invitae Variant Classification Sherloc (09022015). Collection method: clinical testing. Allele origin: germline.

GeneDx
Classification: Likely benign. Last evaluated: 2022-07-21. Review status: criteria provided, single submitter. Criteria: GeneDx Variant Classification Process June 2021. Collection method: clinical testing. Allele origin: germline. Affected: yes.
Comment: See Variant Classification Assertion Criteria.

Athena Diagnostics
Classification: Likely benign. Last evaluated: 2020-07-22. Review status: criteria provided, single submitter. Criteria: Athena Diagnostics Criteria. Collection method: clinical testing. Allele origin: unknown.

Genomic Research Center, Shahid Beheshti University of Medical Sciences
Classification: Uncertain significance for Deafness, autosomal recessive 28. Last evaluated: 2019-01-01. Review status: criteria provided, single submitter. Criteria: ACMG Guidelines, 2015. Collection method: clinical testing. Allele origin: unknown. Affected: no. Observed: 1 variant allele.

Laboratory for Molecular Medicine, Mass General Brigham Personalized Medicine
Classification: Benign. Last evaluated: 2016-05-21. Review status: criteria provided, single submitter. Criteria: LMM Criteria. Collection method: clinical testing. Allele origin: germline. Observed: 3 variant alleles.
Comment: p.Ser2121Leu in exon 18 of TRIOBP: This variant is not expected to have clinical significance because it has been identified in 0.6% (46/7960) of South Asian ch romosomes by the Exome Aggregation Consortium (ExAC. org; dbSNP rs201724032).

PreventionGenetics, part of Exact Sciences
Classification: Likely benign for TRIOBP-related condition. Last evaluated: 2020-03-10. Review status: no assertion criteria provided. Collection method: clinical testing. Allele origin: germline. Not counted in ClinVar's aggregate classification.
Comment: This variant is classified as likely benign based on ACMG/AMP sequence variant interpretation guidelines (Richards et al. 2015 PMID: 25741868, with internal and published modifications).

Literature cited by the submitters: PubMed 27014650 (cited by Athena Diagnostics and Laboratory for Molecular Medicine, Mass General Brigham Personalized Medicine).